The following is an entry in ClinVar:

NM_002500.5(NEUROD1):c.862G>A (p.Glu288Lys)

Gene: NEUROD1 (neuronal differentiation 1; minus strand). Cytogenetic location: 2q31.3.
Variant type: single nucleotide variant.
Coding change: c.862G>A on transcript NM_002500.5 (MANE Select); coding-DNA position 862, G replaced by A.
Protein change: p.Glu288Lys; replaces glutamic acid 288 with lysine.
Molecular consequence: missense variant.
Genome position (GRCh38, 1-based): chr2:181,677,999, C>T on the plus strand (G>A on the coding strand, the complement: NEUROD1 is on the minus strand). VCF-style: chr2-181677999-C-T. GRCh37 (hg19) VCF-style: chr2-182542726-C-T.
Other names: c.862G>A (NM_002500.3); short protein forms E288K.
Identifiers: ClinVar variation 1983935 (VCV001983935.6), dbSNP rs747715154, ClinGen allele CA62111406.

ClinVar aggregate classification (germline): Uncertain significance. Review status: criteria provided, multiple submitters, no conflicts (2 of 4 stars). 3 submissions from 3 submitters: Uncertain significance (3). Last evaluated 2025-12-22.

Conditions:
Inborn genetic diseases. Identifiers: MedGen C0950123, MeSH D030342.

gnomAD v4.1: 6 of 1,614,076 alleles (0.00037%); highest among the groups gnomAD compares: Non-Finnish European, 0.00051%; no homozygotes.

Submissions (3):

Ambry Genetics
Classification: Uncertain significance for Inborn genetic diseases. Last evaluated: 2025-12-22. Review status: criteria provided, single submitter. Criteria: Ambry Variant Classification Scheme 2023. Collection method: clinical testing. Allele origin: germline.

Labcorp Genetics (formerly Invitae), Labcorp
Classification: Uncertain significance. Last evaluated: 2025-03-04. Review status: criteria provided, single submitter. Criteria: Invitae Variant Classification Sherloc (09022015). Collection method: clinical testing. Allele origin: germline.
Comment: This sequence change replaces glutamic acid, which is acidic and polar, with lysine, which is basic and polar, at codon 288 of the NEUROD1 protein (p.Glu288Lys). This variant is not present in population databases (gnomAD no frequency). This variant has not been reported in the literature in individuals affected with NEUROD1-related conditions. ClinVar contains an entry for this variant (Variation ID: 1983935). Invitae Evidence Modeling of protein sequence and biophysical properties (such as structural, functional, and spatial information, amino acid conservation, physicochemical variation, residue mobility, and thermodynamic stability) has been performed for this missense variant. However, the output from this modeling did not meet the statistical confidence thresholds required to predict the impact of this variant on NEUROD1 protein function. In summary, the available evidence is currently insufficient to determine the role of this variant in disease. Therefore, it has been classified as a Variant of Uncertain Significance.

Blueprint Genetics
Classification: Uncertain significance. Last evaluated: 2018-02-27. Review status: criteria provided, single submitter. Criteria: ACMG Guidelines, 2015. Collection method: clinical testing. Allele origin: germline.